The following continues an entry in ClinVar:

NM_024529.5(CDC73):c.1418-17C>G

Gene: CDC73. ClinVar aggregate classification (germline): Benign/Likely benign. Benign (6); Likely benign (1).

Submissions 30 to 69 of 69:

Dr. Peter K. Rogan Lab, Western University
No classification provided (evidence only). Condition: Lymphoma. Review status: no classification provided. Collection method: in vitro. Allele origin: not applicable. Functional consequence: retained intron. Not counted in ClinVar's aggregate classification.

Dr. Peter K. Rogan Lab, Western University
No classification provided (evidence only). Condition: Lymphoma. Review status: no classification provided. Collection method: in vitro. Allele origin: not applicable. Functional consequence: retained intron. Not counted in ClinVar's aggregate classification.

Dr. Peter K. Rogan Lab, Western University
No classification provided (evidence only). Condition: Lymphoma. Review status: no classification provided. Collection method: in vitro. Allele origin: not applicable. Functional consequence: retained intron. Not counted in ClinVar's aggregate classification.

Dr. Peter K. Rogan Lab, Western University
No classification provided (evidence only). Condition: Lymphoma. Review status: no classification provided. Collection method: in vitro. Allele origin: not applicable. Functional consequence: retained intron. Not counted in ClinVar's aggregate classification.

Dr. Peter K. Rogan Lab, Western University
No classification provided (evidence only). Condition: Ovarian cancer. Review status: no classification provided. Collection method: in vitro. Allele origin: not applicable. Functional consequence: retained intron. Not counted in ClinVar's aggregate classification.

Dr. Peter K. Rogan Lab, Western University
No classification provided (evidence only). Condition: Ovarian cancer. Review status: no classification provided. Collection method: in vitro. Allele origin: not applicable. Functional consequence: retained intron. Not counted in ClinVar's aggregate classification.

Dr. Peter K. Rogan Lab, Western University
No classification provided (evidence only). Condition: Ovarian cancer. Review status: no classification provided. Collection method: in vitro. Allele origin: not applicable. Functional consequence: retained intron. Not counted in ClinVar's aggregate classification.

Dr. Peter K. Rogan Lab, Western University
No classification provided (evidence only). Condition: Ovarian cancer. Review status: no classification provided. Collection method: in vitro. Allele origin: not applicable. Functional consequence: retained intron. Not counted in ClinVar's aggregate classification.

Dr. Peter K. Rogan Lab, Western University
No classification provided (evidence only). Condition: Ovarian cancer. Review status: no classification provided. Collection method: in vitro. Allele origin: not applicable. Functional consequence: retained intron. Not counted in ClinVar's aggregate classification.

Dr. Peter K. Rogan Lab, Western University
No classification provided (evidence only). Condition: Familial cancer of breast. Review status: no classification provided. Collection method: in vitro. Allele origin: not applicable. Functional consequence: retained intron. Not counted in ClinVar's aggregate classification.

Dr. Peter K. Rogan Lab, Western University
No classification provided (evidence only). Condition: Malignant lymphoma, large B-cell, diffuse. Review status: no classification provided. Collection method: in vitro. Allele origin: not applicable. Functional consequence: retained intron. Not counted in ClinVar's aggregate classification.

Dr. Peter K. Rogan Lab, Western University
No classification provided (evidence only). Condition: Malignant lymphoma, large B-cell, diffuse. Review status: no classification provided. Collection method: in vitro. Allele origin: not applicable. Functional consequence: retained intron. Not counted in ClinVar's aggregate classification.

Dr. Peter K. Rogan Lab, Western University
No classification provided (evidence only). Condition: Thymoma. Review status: no classification provided. Collection method: in vitro. Allele origin: not applicable. Functional consequence: retained intron. Not counted in ClinVar's aggregate classification.

Dr. Peter K. Rogan Lab, Western University
No classification provided (evidence only). Condition: Thymoma. Review status: no classification provided. Collection method: in vitro. Allele origin: not applicable. Functional consequence: retained intron. Not counted in ClinVar's aggregate classification.

Dr. Peter K. Rogan Lab, Western University
No classification provided (evidence only). Condition: Thymoma. Review status: no classification provided. Collection method: in vitro. Allele origin: not applicable. Functional consequence: retained intron. Not counted in ClinVar's aggregate classification.

Dr. Peter K. Rogan Lab, Western University
No classification provided (evidence only). Condition: Thymoma. Review status: no classification provided. Collection method: in vitro. Allele origin: not applicable. Functional consequence: retained intron. Not counted in ClinVar's aggregate classification.

Dr. Peter K. Rogan Lab, Western University
No classification provided (evidence only). Condition: Thymoma. Review status: no classification provided. Collection method: in vitro. Allele origin: not applicable. Functional consequence: retained intron. Not counted in ClinVar's aggregate classification.

Dr. Peter K. Rogan Lab, Western University
No classification provided (evidence only). Condition: Cholangiocarcinoma. Review status: no classification provided. Collection method: in vitro. Allele origin: not applicable. Functional consequence: retained intron. Not counted in ClinVar's aggregate classification.

Dr. Peter K. Rogan Lab, Western University
No classification provided (evidence only). Condition: Uterine carcinosarcoma. Review status: no classification provided. Collection method: in vitro. Allele origin: not applicable. Functional consequence: retained intron. Not counted in ClinVar's aggregate classification.

Dr. Peter K. Rogan Lab, Western University
No classification provided (evidence only). Condition: Uterine carcinosarcoma. Review status: no classification provided. Collection method: in vitro. Allele origin: not applicable. Functional consequence: retained intron. Not counted in ClinVar's aggregate classification.

Dr. Peter K. Rogan Lab, Western University
No classification provided (evidence only). Condition: Uterine carcinosarcoma. Review status: no classification provided. Collection method: in vitro. Allele origin: not applicable. Functional consequence: retained intron. Not counted in ClinVar's aggregate classification.

Dr. Peter K. Rogan Lab, Western University
No classification provided (evidence only). Condition: Uterine carcinosarcoma. Review status: no classification provided. Collection method: in vitro. Allele origin: not applicable. Functional consequence: retained intron. Not counted in ClinVar's aggregate classification.

Dr. Peter K. Rogan Lab, Western University
No classification provided (evidence only). Condition: Uterine carcinosarcoma. Review status: no classification provided. Collection method: in vitro. Allele origin: not applicable. Functional consequence: retained intron. Not counted in ClinVar's aggregate classification.

Dr. Peter K. Rogan Lab, Western University
No classification provided (evidence only). Condition: Uterine carcinosarcoma. Review status: no classification provided. Collection method: in vitro. Allele origin: not applicable. Functional consequence: retained intron. Not counted in ClinVar's aggregate classification.

Dr. Peter K. Rogan Lab, Western University
No classification provided (evidence only). Condition: Uveal melanoma. Review status: no classification provided. Collection method: in vitro. Allele origin: not applicable. Functional consequence: retained intron. Not counted in ClinVar's aggregate classification.

Dr. Peter K. Rogan Lab, Western University
No classification provided (evidence only). Condition: Uveal melanoma. Review status: no classification provided. Collection method: in vitro. Allele origin: not applicable. Functional consequence: retained intron. Not counted in ClinVar's aggregate classification.

Dr. Peter K. Rogan Lab, Western University
No classification provided (evidence only). Condition: Uveal melanoma. Review status: no classification provided. Collection method: in vitro. Allele origin: not applicable. Functional consequence: retained intron. Not counted in ClinVar's aggregate classification.

Dr. Peter K. Rogan Lab, Western University
No classification provided (evidence only). Condition: Chronic lymphocytic leukemia/small lymphocytic lymphoma. Review status: no classification provided. Collection method: in vitro. Allele origin: not applicable. Functional consequence: retained intron. Not counted in ClinVar's aggregate classification.

Dr. Peter K. Rogan Lab, Western University
No classification provided (evidence only). Condition: Chronic lymphocytic leukemia/small lymphocytic lymphoma. Review status: no classification provided. Collection method: in vitro. Allele origin: not applicable. Functional consequence: retained intron. Not counted in ClinVar's aggregate classification.

Dr. Peter K. Rogan Lab, Western University
No classification provided (evidence only). Condition: Chronic lymphocytic leukemia/small lymphocytic lymphoma. Review status: no classification provided. Collection method: in vitro. Allele origin: not applicable. Functional consequence: retained intron. Not counted in ClinVar's aggregate classification.

Dr. Peter K. Rogan Lab, Western University
No classification provided (evidence only). Condition: Chronic lymphocytic leukemia/small lymphocytic lymphoma. Review status: no classification provided. Collection method: in vitro. Allele origin: not applicable. Functional consequence: retained intron. Not counted in ClinVar's aggregate classification.

Dr. Peter K. Rogan Lab, Western University
No classification provided (evidence only). Condition: Chronic lymphocytic leukemia/small lymphocytic lymphoma. Review status: no classification provided. Collection method: in vitro. Allele origin: not applicable. Functional consequence: retained intron. Not counted in ClinVar's aggregate classification.

Dr. Peter K. Rogan Lab, Western University
No classification provided (evidence only). Condition: Chronic lymphocytic leukemia/small lymphocytic lymphoma. Review status: no classification provided. Collection method: in vitro. Allele origin: not applicable. Functional consequence: retained intron. Not counted in ClinVar's aggregate classification.

Dr. Peter K. Rogan Lab, Western University
No classification provided (evidence only). Condition: Chronic lymphocytic leukemia/small lymphocytic lymphoma. Review status: no classification provided. Collection method: in vitro. Allele origin: not applicable. Functional consequence: retained intron. Not counted in ClinVar's aggregate classification.

Dr. Peter K. Rogan Lab, Western University
No classification provided (evidence only). Condition: Chronic lymphocytic leukemia/small lymphocytic lymphoma. Review status: no classification provided. Collection method: in vitro. Allele origin: not applicable. Functional consequence: retained intron. Not counted in ClinVar's aggregate classification.

Dr. Peter K. Rogan Lab, Western University
No classification provided (evidence only). Condition: Chronic lymphocytic leukemia/small lymphocytic lymphoma. Review status: no classification provided. Collection method: in vitro. Allele origin: not applicable. Functional consequence: retained intron. Not counted in ClinVar's aggregate classification.

Dr. Peter K. Rogan Lab, Western University
No classification provided (evidence only). Condition: Chronic lymphocytic leukemia/small lymphocytic lymphoma. Review status: no classification provided. Collection method: in vitro. Allele origin: not applicable. Functional consequence: retained intron. Not counted in ClinVar's aggregate classification.

Dr. Peter K. Rogan Lab, Western University
No classification provided (evidence only). Condition: Chronic lymphocytic leukemia/small lymphocytic lymphoma. Review status: no classification provided. Collection method: in vitro. Allele origin: not applicable. Functional consequence: retained intron. Not counted in ClinVar's aggregate classification.

Dr. Peter K. Rogan Lab, Western University
No classification provided (evidence only). Condition: Chronic lymphocytic leukemia/small lymphocytic lymphoma. Review status: no classification provided. Collection method: in vitro. Allele origin: not applicable. Functional consequence: retained intron. Not counted in ClinVar's aggregate classification.

GeneReviews
No classification provided. Condition: Parathyroid carcinoma. Review status: no classification provided. Collection method: literature only. Allele origin: unknown. Not counted in ClinVar's aggregate classification.

Literature cited by the submitters: PubMed 20052758 (cited by Women's Health and Genetics/Laboratory Corporation of America, LabCorp); PubMed 21652691 (cited by Women's Health and Genetics/Laboratory Corporation of America, LabCorp); PubMed 20301744 (cited by GeneReviews); NCBI Bookshelf NBK3789 (cited by GeneReviews).